The following is an entry in ClinVar:

ClinVar aggregate classification (germline): Uncertain significance (1 of 4 stars; one submission).

Conditions:
Cornelia de Lange syndrome 5 (CDLS5). Also called: HDAC8-Related Cornelia de Lange Syndrome. Identifiers: Orphanet 199, MedGen C3550903, MONDO:0010471, OMIM 300882.

Submission:

Juno Genomics, Hangzhou Juno Genomics, Inc
Classification: Uncertain significance for Cornelia de Lange syndrome 5. Review status: criteria provided, single submitter. Criteria: ACMG Guidelines, 2015. Collection method: clinical testing. Allele origin: germline.
Comment: Absent from controls (or at extremely low frequency if recessive) in Genome Aggregation Database.;Multiple lines of computational evidence support a deleterious effect on the gene or gene product.

NM_018486.3(HDAC8):c.421T>C (p.Trp141Arg)

Gene: HDAC8 (histone deacetylase 8; minus strand). Cytogenetic location: Xq13.1.
Variant type: single nucleotide variant.
Coding change: c.421T>C on transcript NM_018486.3 (MANE Select); coding-DNA position 421, T replaced by C.
Protein change: p.Trp141Arg; replaces tryptophan 141 with arginine.
Molecular consequence: missense variant. On other transcripts: non-coding transcript variant (4), intron variant (3).
Genome position (GRCh38, 1-based): chrX:72,567,905, A>G on the plus strand (T>C on the coding strand, the complement: HDAC8 is on the minus strand). VCF-style: chrX-72567905-A-G. GRCh37 (hg19) VCF-style: chrX-71787755-A-G.
Other names: c.164+4152T>C (NM_001166418.2, NM_001410728.1, NM_001166448.2); c.421T>C, p.Trp141Arg (NM_001410729.1, NM_001410730.1, NM_001441234.1 and 5 more transcripts); short protein forms W141R.
Identifiers: ClinVar variation 5007594 (VCV005007594.2).
Genomic context (GRCh38, chrX:72,567,905, plus strand): 5'-TGACTCAAGGAAAGAGTCAGAAAACAGAAAGGTCATTTTCTTACTTCTTTGCATGATGCC[A>G]CCCTCCAGACCAGTTAATTGCTACTTTGCACATTCCGTCAATCAGGCATTGGGCAGCTGT-3'
Protein context (NP_060956.1, residues 131-151): CKVAINWSGG[Trp141Arg]HHAKKDEASG